The following is an entry in ClinVar:

ClinVar aggregate classification (germline): Uncertain significance (1 of 4 stars; one submission).

Conditions:
Joubert syndrome 21 (JBTS21). Identifiers: MedGen C3810212, MONDO:0014288, OMIM 615636.

Allele frequency attached by ClinVar (database versions not stated): gnomAD exomes below 0.00001; gnomAD 0.00001; TOPMed 0.00001.
gnomAD v4.1: 2 of 1,613,744 alleles (0.00012%); highest among the groups gnomAD compares: Admixed American, 0.0017%; no homozygotes.

Submission:

Labcorp Genetics (formerly Invitae), Labcorp
Classification: Uncertain significance for Joubert syndrome 21. Last evaluated: 2022-07-01. Review status: criteria provided, single submitter. Criteria: Invitae Variant Classification Sherloc (09022015). Collection method: clinical testing. Allele origin: germline.
Comment: Algorithms developed to predict the effect of missense changes on protein structure and function are either unavailable or do not agree on the potential impact of this missense change (SIFT: "Deleterious"; PolyPhen-2: "Probably Damaging"; Align-GVGD: "Class C0"). This variant has not been reported in the literature in individuals affected with CSPP1-related conditions. This variant is present in population databases (no rsID available, gnomAD 0.0009%). This sequence change replaces arginine, which is basic and polar, with glutamine, which is neutral and polar, at codon 1093 of the CSPP1 protein (p.Arg1093Gln). In summary, the available evidence is currently insufficient to determine the role of this variant in disease. Therefore, it has been classified as a Variant of Uncertain Significance.

NM_001382391.1(CSPP1):c.3293G>A (p.Arg1098Gln)

Genes: ARFGEF1 (ARF guanine nucleotide exchange factor 1; minus strand), CSPP1 (centrosome and spindle pole associated protein 1; plus strand). Cytogenetic location: 8q13.2.
Variant type: single nucleotide variant.
Coding change: c.3293G>A on transcript NM_001382391.1 (MANE Select); coding-DNA position 3293, G replaced by A.
Protein change: p.Arg1098Gln; replaces arginine 1098 with glutamine.
Molecular consequence: missense variant. On other transcripts: intron variant (2).
Genome position (GRCh38, 1-based): chr8:67,190,722, G>A. VCF-style: chr8-67190722-G-A. GRCh37 (hg19) VCF-style: chr8-68102957-G-A.
Other names: c.2243G>A, p.Arg748Gln (NM_001291339.2); c.3212G>A, p.Arg1071Gln (NM_001363131.2); c.3098G>A, p.Arg1033Gln (NM_001363132.2); c.3017G>A, p.Arg1006Gln (NM_001363133.2); c.3359G>A, p.Arg1120Gln (NM_001364869.1); c.3179G>A, p.Arg1060Gln (NM_001364870.1); c.3125G>A, p.Arg1042Gln (NM_001438330.1); c.3278G>A, p.Arg1093Gln (NM_001438331.1, NM_024790.7); and 3 more; short protein forms R1060Q, R748Q, R1071Q, R1120Q, R1006Q, R1033Q, R1093Q, R1098Q.
Identifiers: ClinVar variation 1940791 (VCV001940791.4), dbSNP rs911206167, ClinGen allele CA178215766.